The following is an entry in ClinVar:

ClinVar aggregate classification (germline): Uncertain significance (1 of 4 stars; one submission).

Submission:

Labcorp Genetics (formerly Invitae), Labcorp
Classification: Uncertain significance. Last evaluated: 2025-04-16. Review status: criteria provided, single submitter. Criteria: Invitae Variant Classification Sherloc (09022015). Collection method: clinical testing. Allele origin: germline.
Comment: This sequence change replaces histidine, which is basic and polar, with glutamine, which is neutral and polar, at codon 570 of the CPLANE1 protein (p.His570Gln). This variant is not present in population databases (gnomAD no frequency). This variant has not been reported in the literature in individuals affected with CPLANE1-related conditions. ClinVar contains an entry for this variant (Variation ID: 1391283). Invitae Evidence Modeling of protein sequence and biophysical properties (such as structural, functional, and spatial information, amino acid conservation, physicochemical variation, residue mobility, and thermodynamic stability) indicates that this missense variant is not expected to disrupt CPLANE1 protein function with a negative predictive value of 95%. In summary, the available evidence is currently insufficient to determine the role of this variant in disease. Therefore, it has been classified as a Variant of Uncertain Significance.

NM_001384732.1(CPLANE1):c.1710T>G (p.His570Gln)

Gene: CPLANE1 (ciliogenesis and planar polarity effector complex subunit 1; minus strand). Cytogenetic location: 5p13.2.
Variant type: single nucleotide variant.
Coding change: c.1710T>G on transcript NM_001384732.1 (MANE Select); coding-DNA position 1710, T replaced by G.
Protein change: p.His570Gln; replaces histidine 570 with glutamine.
Molecular consequence: missense variant.
Genome position (GRCh38, 1-based): chr5:37,226,885, A>C on the plus strand (T>G on the coding strand, the complement: CPLANE1 is on the minus strand). VCF-style: chr5-37226885-A-C. GRCh37 (hg19) VCF-style: chr5-37226987-A-C.
Other names: c.1710T>G, p.His570Gln (NM_023073.4); short protein forms H570Q.
Identifiers: ClinVar variation 1391283 (VCV001391283.6), dbSNP rs2150440764, ClinGen allele CA359500405.